The following is an entry in ClinVar:

ClinVar aggregate classification (germline): Pathogenic/Likely pathogenic. Review status: criteria provided, multiple submitters, no conflicts (2 of 4 stars). 2 submissions from 2 submitters: Pathogenic (1); Likely pathogenic (1). Last evaluated 2023-12-12.

Conditions:
Symmetrical dyschromatosis of extremities (DSH). Also called: DYSCHROMATOSIS SYMMETRICA HEREDITARIA 1; RETICULATE ACROPIGMENTATION OF DOHI; SYMMETRIC DYSCHROMATOSIS OF THE EXTREMITIES; Dyschromatosis symmetrica hereditaria. Identifiers: Orphanet 41, MedGen C0406775, MONDO:0007483, OMIM 127400.
Aicardi-Goutieres syndrome 6 (AGS6). Identifiers: Orphanet 51, MedGen C3539013, MONDO:0014007, OMIM 615010.

Submissions (2):

GeneDx
Classification: Likely pathogenic. Last evaluated: 2023-12-12. Review status: criteria provided, single submitter. Criteria: GeneDx Variant Classification Process June 2021. Collection method: clinical testing. Allele origin: germline. Affected: yes.
Comment: Frameshift variant predicted to result in protein truncation or nonsense mediated decay in a gene for which loss of function is a known mechanism of disease; Not observed at significant frequency in large population cohorts (gnomAD); This variant is associated with the following publications: (PMID: 18705826)

Labcorp Genetics (formerly Invitae), Labcorp
Classification: Pathogenic for Aicardi-Goutieres syndrome 6; Symmetrical dyschromatosis of extremities. Last evaluated: 2023-04-25. Review status: criteria provided, single submitter. Criteria: Invitae Variant Classification Sherloc (09022015). Collection method: clinical testing. Allele origin: germline.
Comment: ClinVar contains an entry for this variant (Variation ID: 649961). This premature translational stop signal has been observed in individual(s) with dyschromatosis symmetrica hereditaria (PMID: 18705826). This variant is not present in population databases (gnomAD no frequency). This sequence change creates a premature translational stop signal (p.Thr856Aspfs*2) in the ADAR gene. It is expected to result in an absent or disrupted protein product. Loss-of-function variants in ADAR are known to be pathogenic (PMID: 22974014). For these reasons, this variant has been classified as Pathogenic.

Literature cited by the submitters: PubMed 18705826 (cited by Labcorp Genetics (formerly Invitae), Labcorp); PubMed 22974014 (cited by Labcorp Genetics (formerly Invitae), Labcorp).

NM_001111.5(ADAR):c.2564dup (p.Thr856fs)

Genes: ADAR (adenosine deaminase RNA specific; minus strand), LOC126805874 (CDK7 strongly-dependent group 2 enhancer GRCh37_chr1:154561176-154562375; plus strand). Cytogenetic location: 1q21.3.
Variant type: Duplication.
Coding change: c.2564dup on transcript NM_001111.5 (MANE Select); coding-DNA position 2564, one base duplicated (T; older notation c.2564dupT).
Protein change: p.Thr856fs; shifts the reading frame from threonine 856.
Molecular consequence: frameshift variant.
Genome position (GRCh38, 1-based): chr1:154,589,861, A duplicated on the plus strand (T on the coding strand, the reverse complement: ADAR is on the minus strand). VCF-style (leftmost placement, unchanged base first): chr1-154589860-C-CA. GRCh37 (hg19) VCF-style: chr1-154562336-C-CA.
Other names: c.2564dupT (NM_001111.4); c.1679dup, p.Thr561fs (NM_001025107.3, NM_001193495.2, NM_001365046.1 and 2 more transcripts); c.2591dup, p.Thr865fs (NM_001365045.1); c.1601dup, p.Thr535fs (NM_001365049.1); c.2486dup, p.Thr830fs (NM_015840.4); c.2429dup, p.Thr811fs (NM_015841.4); c.2564dup (NM_001111.4); short protein forms T830fs, T856fs, T811fs, T561fs, T535fs, T865fs.
Identifiers: ClinVar variation 649961 (VCV000649961.10), dbSNP rs1571065237, ClinGen allele CA915941442.